The following is an entry in ClinVar:

NM_139321.3(ATRN):c.1915G>A (p.Asp639Asn)

Gene: ATRN (attractin; plus strand). Cytogenetic location: 20p13.
Variant type: single nucleotide variant.
Coding change: c.1915G>A on transcript NM_139321.3 (MANE Select); coding-DNA position 1915, G replaced by A.
Protein change: p.Asp639Asn; replaces aspartic acid 639 with asparagine.
Molecular consequence: missense variant.
Genome position (GRCh38, 1-based): chr20:3,572,774, G>A. VCF-style: chr20-3572774-G-A. GRCh37 (hg19) VCF-style: chr20-3553421-G-A.
Other names: c.1567G>A, p.Asp523Asn (NM_001207047.3); c.1915G>A, p.Asp639Asn (NM_001323332.2, NM_139322.4); c.1915G>A (NM_139321.2); short protein forms D523N, D639N.
Identifiers: ClinVar variation 1496326 (VCV001496326.7), dbSNP rs772306017, ClinGen allele CA9744181.

ClinVar aggregate classification (germline): Uncertain significance. Review status: criteria provided, multiple submitters, no conflicts (2 of 4 stars). 2 submissions from 2 submitters: Uncertain significance (2). Last evaluated 2024-11-05.

Allele frequency attached by ClinVar (database versions not stated): gnomAD exomes 0.00001; TOPMed 0.00001; ExAC 0.00002.
gnomAD v4.1: 17 of 1,613,830 alleles (0.0011%); highest among the groups gnomAD compares: Non-Finnish European, 0.00093%; no homozygotes.

Submissions (2):

Labcorp Genetics (formerly Invitae), Labcorp
Classification: Uncertain significance. Last evaluated: 2024-11-05. Review status: criteria provided, single submitter. Criteria: Invitae Variant Classification Sherloc (09022015). Collection method: clinical testing. Allele origin: germline.
Comment: This sequence change replaces aspartic acid, which is acidic and polar, with asparagine, which is neutral and polar, at codon 639 of the ATRN protein (p.Asp639Asn). This variant is present in population databases (rs772306017, gnomAD 0.003%). This variant has not been reported in the literature in individuals affected with ATRN-related conditions. ClinVar contains an entry for this variant (Variation ID: 1496326). An algorithm developed to predict the effect of missense changes on protein structure and function (PolyPhen-2) suggests that this variant is likely to be disruptive. In summary, the available evidence is currently insufficient to determine the role of this variant in disease. Therefore, it has been classified as a Variant of Uncertain Significance.

Ambry Genetics
Classification: Uncertain significance. Last evaluated: 2021-09-30. Review status: criteria provided, single submitter. Criteria: Ambry Variant Classification Scheme 2023. Collection method: clinical testing. Allele origin: germline.